The following is an entry in ClinVar:

ClinVar aggregate classification (germline): Uncertain significance (1 of 4 stars; one submission).

Conditions:
Congenital myasthenic syndrome 2A. Also called: Myasthenic syndrome, congenital, 2a, slow-channel. Identifiers: Orphanet 590, MedGen C4225374, MONDO:0014581, OMIM 616313.

Submission:

Labcorp Genetics (formerly Invitae), Labcorp
Classification: Uncertain significance for Congenital myasthenic syndrome 2A. Last evaluated: 2022-09-07. Review status: criteria provided, single submitter. Criteria: Invitae Variant Classification Sherloc (09022015). Collection method: clinical testing. Allele origin: germline.
Comment: This variant is also known as c.59-3_60dup (p.Val21Glnfs*48). In summary, the available evidence is currently insufficient to determine the role of this variant in disease. Therefore, it has been classified as a Variant of Uncertain Significance. Algorithms developed to predict the effect of sequence changes on RNA splicing suggest that this variant may disrupt the consensus splice site. This variant has not been reported in the literature in individuals affected with CHRNB1-related conditions. This variant is not present in population databases (gnomAD no frequency). This sequence change falls in intron 1 of the CHRNB1 gene. It does not directly change the encoded amino acid sequence of the CHRNB1 protein.

NM_000747.3(CHRNB1):c.59-3_60dup

Gene: CHRNB1 (cholinergic receptor nicotinic beta 1 subunit; plus strand). Cytogenetic location: 17p13.1.
Variant type: Duplication.
Coding change: c.59-3_60dup on transcript NM_000747.3 (MANE Select); 3 bases into the intron before coding-DNA position 59 through coding-DNA position 60, 5 bases duplicated (CAGGC; older notation c.59-3_60dupCAGGC).
Molecular consequence: splice acceptor variant.
Genome position (GRCh38, 1-based): chr17:7,445,267-7,445,271, CAGGC duplicated; duplicating any 5 consecutive bases within chr17:7,445,266-7,445,271 gives the same sequence; the c. name uses the placement nearest the transcript's 3' end. VCF-style (leftmost placement, unchanged base first): chr17-7445265-C-CCCAGG. GRCh37 (hg19) VCF-style: chr17-7348584-C-CCCAGG.
Identifiers: ClinVar variation 2105383 (VCV002105383.4), dbSNP rs2507845719, ClinGen allele CA2580094772.